The following is an entry in ClinVar:

ClinVar aggregate classification (germline): Uncertain significance. Review status: criteria provided, multiple submitters, no conflicts (2 of 4 stars). 3 submissions from 3 submitters: Uncertain significance (3). Last evaluated 2025-07-03.

Conditions:
IL17RD-related disorder. Also called: IL17RD-related condition.

Allele frequency attached by ClinVar (database versions not stated): TOPMed 0.00020; gnomAD 0.00026; ExAC 0.00029; gnomAD exomes 0.00037; ESP Exome Variant Server 0.00054.
gnomAD v4.1: 578 of 1,603,154 alleles (0.036%); highest among the groups gnomAD compares: Non-Finnish European, 0.047%; no homozygotes.

Submissions (3):

Labcorp Genetics (formerly Invitae), Labcorp
Classification: Uncertain significance. Last evaluated: 2025-07-03. Review status: criteria provided, single submitter. Criteria: Invitae Variant Classification Sherloc (09022015). Collection method: clinical testing. Allele origin: germline.
Comment: This sequence change replaces threonine, which is neutral and polar, with isoleucine, which is neutral and non-polar, at codon 278 of the IL17RD protein (p.Thr278Ile). This variant is present in population databases (rs143416217, gnomAD 0.04%). This variant has not been reported in the literature in individuals affected with IL17RD-related conditions. ClinVar contains an entry for this variant (Variation ID: 2249787). An algorithm developed to predict the effect of missense changes on protein structure and function (PolyPhen-2) suggests that this variant is likely to be tolerated. In summary, the available evidence is currently insufficient to determine the role of this variant in disease. Therefore, it has been classified as a Variant of Uncertain Significance.

PreventionGenetics, part of Exact Sciences
Classification: Uncertain significance for IL17RD-related condition. Last evaluated: 2025-06-11. Review status: criteria provided, single submitter. Criteria: ACMG Guidelines, 2015. Collection method: clinical testing. Allele origin: germline.
Comment: The IL17RD c.833C>T variant is predicted to result in the amino acid substitution p.Thr278Ile. To our knowledge, this variant has not been reported in the literature. This variant is reported in 0.034% of alleles in individuals of European (Non-Finnish) descent in gnomAD. At this time, the clinical significance of this variant is uncertain due to the absence of conclusive functional and genetic evidence.

Ambry Genetics
Classification: Uncertain significance. Last evaluated: 2024-06-16. Review status: criteria provided, single submitter. Criteria: Ambry Variant Classification Scheme 2023. Collection method: clinical testing. Allele origin: germline.

NM_017563.5(IL17RD):c.833C>T (p.Thr278Ile)

Gene: IL17RD (interleukin 17 receptor D; minus strand). Cytogenetic location: 3p14.3.
Variant type: single nucleotide variant.
Coding change: c.833C>T on transcript NM_017563.5 (MANE Select); coding-DNA position 833, C replaced by T.
Protein change: p.Thr278Ile; replaces threonine 278 with isoleucine.
Molecular consequence: missense variant.
Genome position (GRCh38, 1-based): chr3:57,103,126, G>A on the plus strand (C>T on the coding strand, the complement: IL17RD is on the minus strand). VCF-style: chr3-57103126-G-A. GRCh37 (hg19) VCF-style: chr3-57137154-G-A.
Other names: c.833C>T, p.Thr278Ile (NM_001080973.1); c.401C>T, p.Thr134Ile (NM_001318864.2); c.833C>T (NM_017563.4); short protein forms T134I, T278I.
Identifiers: ClinVar variation 2249787 (VCV002249787.6), dbSNP rs143416217, ClinGen allele CA2462908.
Genomic context (GRCh38, chr3:57,103,126, plus strand): 5'-AAATTTCAAACAAAAAAGCACCTACCTGGCTTTAAGGCATAATGCATCACTTTTCTTGTT[G>A]TGTTAGTGTCATCCACCAGCTGCAAAACAGAGGATGCTGCATTATTTTTTTTTAAAGTGA-3'
Protein context (NP_060033.3, residues 268-288): YIIELVDDTN[Thr278Ile]TRKVMHYALK